The following is an entry in ClinVar:

ClinVar aggregate classification (germline): Uncertain significance. Review status: criteria provided, multiple submitters, no conflicts (2 of 4 stars). 3 submissions from 3 submitters: Uncertain significance (3). Last evaluated 2025-12-02.

Conditions:
Inborn genetic diseases. Identifiers: MedGen C0950123, MeSH D030342.

gnomAD v4.1: 1 of 1,612,800 alleles (0.000062%); highest among the groups gnomAD compares: African/African-American, 0.0013%; no homozygotes.

Submissions (3):

Labcorp Genetics (formerly Invitae), Labcorp
Classification: Uncertain significance. Last evaluated: 2025-12-02. Review status: criteria provided, single submitter. Criteria: Invitae Variant Classification Sherloc (09022015). Collection method: clinical testing. Allele origin: germline.
Comment: This sequence change replaces glutamine, which is neutral and polar, with proline, which is neutral and non-polar, at codon 1324 of the SAMD9L protein (p.Gln1324Pro). This variant is present in population databases (no rsID available, gnomAD 0.01%). This variant has not been reported in the literature in individuals affected with SAMD9L-related conditions. ClinVar contains an entry for this variant (Variation ID: 3369004). Invitae Evidence Modeling of protein sequence and biophysical properties (such as structural, functional, and spatial information, amino acid conservation, physicochemical variation, residue mobility, and thermodynamic stability) indicates that this missense variant is not expected to disrupt SAMD9L protein function with a negative predictive value of 80%. In summary, the available evidence is currently insufficient to determine the role of this variant in disease. Therefore, it has been classified as a Variant of Uncertain Significance.

Ambry Genetics
Classification: Uncertain significance for Inborn genetic diseases. Last evaluated: 2025-02-14. Review status: criteria provided, single submitter. Criteria: Ambry Variant Classification Scheme 2023. Collection method: clinical testing. Allele origin: germline.
Comment: The p.Q1324P variant (also known as c.3971A>C), located in coding exon 1 of the SAMD9L gene, results from an A to C substitution at nucleotide position 3971. The glutamine at codon 1324 is replaced by proline, an amino acid with similar properties. This amino acid position is conserved. In addition, this alteration is predicted to be tolerated by in silico analysis. Based on the available evidence, the clinical significance of this variant remains unclear.

GeneDx
Classification: Uncertain significance. Last evaluated: 2024-02-07. Review status: criteria provided, single submitter. Criteria: GeneDx Variant Classification Process June 2021. Collection method: clinical testing. Allele origin: germline. Affected: yes.
Comment: Not observed at significant frequency in large population cohorts (gnomAD); In silico analysis supports that this missense variant does not alter protein structure/function; Has not been previously published as pathogenic or benign to our knowledge

NM_152703.5(SAMD9L):c.3971A>C (p.Gln1324Pro)

Gene: SAMD9L (sterile alpha motif domain containing 9 like; minus strand). Cytogenetic location: 7q21.2.
Variant type: single nucleotide variant.
Coding change: c.3971A>C on transcript NM_152703.5 (MANE Select); coding-DNA position 3971, A replaced by C.
Protein change: p.Gln1324Pro; replaces glutamine 1324 with proline.
Molecular consequence: missense variant.
Genome position (GRCh38, 1-based): chr7:93,132,001, T>G on the plus strand (A>C on the coding strand, the complement: SAMD9L is on the minus strand). VCF-style: chr7-93132001-T-G. GRCh37 (hg19) VCF-style: chr7-92761314-T-G.
Other names: c.3971A>C (NM_152703.2); c.3971A>C, p.Gln1324Pro (NM_001303496.3, NM_001303497.3, NM_001303498.3 and 5 more transcripts); short protein forms Q1324P.
Identifiers: ClinVar variation 3369004 (VCV003369004.3).